The following is an entry in ClinVar:

ClinVar aggregate classification (germline): Uncertain significance (1 of 4 stars; one submission).

Submission:

Women's Health and Genetics/Laboratory Corporation of America, LabCorp
Classification: Uncertain significance. Last evaluated: 2025-09-22. Review status: criteria provided, single submitter. Criteria: LabCorp Variant Classification Summary - May 2015. Collection method: clinical testing. Allele origin: germline.
Comment: Variant summary: PKD1 c.7093_7116dup24 (p.Ile2365_Ser2372dup) results in an in-frame duplication that is predicted to duplicate 8 amino acids into the encoded protein. The variant was absent in 219324 control chromosomes. The available data on variant occurrences in the general population are insufficient to allow any conclusion about variant significance. To our knowledge, no occurrence of c.7093_7116dup24 in individuals affected with PKD1-related conditions and no experimental evidence demonstrating its impact on protein function have been reported. No submitters have cited clinical-significance assessments for this variant to ClinVar. Based on the evidence outlined above, the variant was classified as uncertain significance.

NM_001009944.3(PKD1):c.7093_7116dup (p.Ser2372_Cys2373insIleValSerLeuGluCysValSer)

Gene: PKD1 (polycystin 1, transient receptor potential channel interacting; minus strand). Cytogenetic location: 16p13.3.
Variant type: Duplication.
Coding change: c.7093_7116dup on transcript NM_001009944.3 (MANE Select); coding-DNA positions 7093 to 7116, 24 bases duplicated (ATTGTGTCCTTGGAGTGTGTGTCC).
Protein change: p.Ser2372_Cys2373insIleValSerLeuGluCysValSer.
Molecular consequence: inframe insertion.
Genome position (GRCh38, 1-based): chr16:2,106,898-2,106,921, GGACACACACTCCAAGGACACAAT duplicated on the plus strand (ATTGTGTCCTTGGAGTGTGTGTCC on the coding strand, the reverse complement: PKD1 is on the minus strand); duplicating any 24 consecutive bases within chr16:2,106,898-2,106,923 gives the same sequence; the c. name uses the placement nearest the transcript's 3' end. VCF-style (leftmost placement, unchanged base first): chr16-2106897-A-AGGACACACACTCCAAGGACACAAT. GRCh37 (hg19) VCF-style: chr16-2156898-A-AGGACACACACTCCAAGGACACAAT.
Other names: c.7093_7116dup, p.Ser2372_Cys2373insIleValSerLeuGluCysValSer (NM_000296.4); c.7093_7116dup24 (NM_001009944.3).
Identifiers: ClinVar variation 4536080 (VCV004536080.1).